The following is an entry in ClinVar:

NM_016169.4(SUFU):c.334G>A (p.Gly112Arg)

Gene: SUFU (SUFU negative regulator of hedgehog signaling; plus strand). Cytogenetic location: 10q24.32.
Variant type: single nucleotide variant.
Coding change: c.334G>A on transcript NM_016169.4 (MANE Select); coding-DNA position 334, G replaced by A.
Protein change: p.Gly112Arg; replaces glycine 112 with arginine.
Molecular consequence: missense variant.
Genome position (GRCh38, 1-based): chr10:102,549,986, G>A. VCF-style: chr10-102549986-G-A. GRCh37 (hg19) VCF-style: chr10-104309743-G-A.
Other names: c.334G>A, p.Gly112Arg (NM_001178133.2); short protein forms G112R.
Identifiers: ClinVar variation 2948513 (VCV002948513.3), dbSNP rs2135743062, ClinGen allele CA377903028.

ClinVar aggregate classification (germline): Uncertain significance (1 of 4 stars; one submission).

Conditions:
Gorlin syndrome. Also called: Nevoid Basal Cell Carcinoma Syndrome; Basal cell nevus syndrome. Identifiers: Orphanet 377, MedGen C0004779, MONDO:0007187.
Medulloblastoma (MDB). Also called: MEDULLOBLASTOMA PREDISPOSITION SYNDROME; Medulloblastoma, somatic. Identifiers: Orphanet 616, MedGen C0025149, MeSH D008527, MONDO:0007959, OMIM 155255, HP:0002885.

Submission:

Labcorp Genetics (formerly Invitae), Labcorp
Classification: Uncertain significance for Gorlin syndrome; Medulloblastoma. Last evaluated: 2023-06-04. Review status: criteria provided, single submitter. Criteria: Invitae Variant Classification Sherloc (09022015). Collection method: clinical testing. Allele origin: germline.
Comment: In summary, the available evidence is currently insufficient to determine the role of this variant in disease. Therefore, it has been classified as a Variant of Uncertain Significance. Advanced modeling of protein sequence and biophysical properties (such as structural, functional, and spatial information, amino acid conservation, physicochemical variation, residue mobility, and thermodynamic stability) performed at Invitae indicates that this missense variant is not expected to disrupt SUFU protein function. This variant has not been reported in the literature in individuals affected with SUFU-related conditions. This variant is not present in population databases (gnomAD no frequency). This sequence change replaces glycine, which is neutral and non-polar, with arginine, which is basic and polar, at codon 112 of the SUFU protein (p.Gly112Arg).